The following is an entry in ClinVar:

NM_000535.7(PMS2):c.1183C>G (p.Pro395Ala)

Gene: PMS2 (PMS1 homolog 2, mismatch repair system component; minus strand). Cytogenetic location: 7p22.1.
Variant type: single nucleotide variant.
Coding change: c.1183C>G on transcript NM_000535.7 (MANE Select); coding-DNA position 1183, C replaced by G.
Protein change: p.Pro395Ala; replaces proline 395 with alanine.
Molecular consequence: missense variant. On other transcripts: non-coding transcript variant (1), intron variant (1).
Genome position (GRCh38, 1-based): chr7:5,987,582, G>C on the plus strand (C>G on the coding strand, the complement: PMS2 is on the minus strand). VCF-style: chr7-5987582-G-C. GRCh37 (hg19) VCF-style: chr7-6027213-G-C.
Other names: c.778C>G, p.Pro260Ala (NM_001406889.1, NM_001406890.1, NM_001406891.1 and 17 more transcripts); c.1027C>G, p.Pro343Ala (NM_001322006.2, NM_001406870.1); c.865C>G, p.Pro289Ala (NM_001322007.2, NM_001322008.2, NM_001406876.1 and 2 more transcripts); c.622C>G, p.Pro208Ala (NM_001322010.2, NM_001406906.1, NM_001406907.1); c.250C>G, p.Pro84Ala (NM_001322011.2, NM_001322012.2); c.610C>G, p.Pro204Ala (NM_001322013.2, NM_001406909.1); c.1183C>G, p.Pro395Ala (NM_001322014.2, NM_001406871.1, NM_001406872.1); c.874C>G, p.Pro292Ala (NM_001322015.2, NM_001406875.1, NM_001406877.1 and 5 more transcripts); and 13 more; short protein forms P208A, P224A, P260A, P292A, P204A, P237A, P240A, P287A.
Identifiers: ClinVar variation 2451600 (VCV002451600.3), dbSNP rs745306528, ClinGen allele CA366742618.
Genomic context (GRCh38, chr7:5,987,582, plus strand): 5'-CGTCTTTTTTTTCTTCTCCAGTCCTTAATGAAGGGGATTGATCCTGCTTTTCTACCATGG[G>C]CTTTTCCAAATCCGCTGCATGCATTTTTATTAAGTTACCTAAGCAAACGTGGACGGAGAA-3'
Protein context (NP_000526.2, residues 385-405): IKMHAADLEK[Pro395Ala]MVEKQDQSPS

ClinVar aggregate classification (germline): Uncertain significance. Review status: criteria provided, multiple submitters, no conflicts (2 of 4 stars). 2 submissions from 2 submitters: Uncertain significance (2). Last evaluated 2025-11-01.

Conditions:
Hereditary cancer-predisposing syndrome. Also called: Neoplastic Syndromes, Hereditary; Tumor predisposition; Hereditary neoplastic syndrome; Hereditary Cancer Syndrome. Identifiers: Orphanet 140162, MedGen C0027672, MeSH D009386, MONDO:0015356.
Hereditary nonpolyposis colorectal neoplasms. Identifiers: MedGen C0009405, MeSH D003123.

Submissions (2):

Labcorp Genetics (formerly Invitae), Labcorp
Classification: Uncertain significance for Hereditary nonpolyposis colorectal neoplasms. Last evaluated: 2025-11-01. Review status: criteria provided, single submitter. Criteria: Invitae Variant Classification Sherloc (09022015). Collection method: clinical testing. Allele origin: germline.
Comment: This sequence change replaces proline, which is neutral and non-polar, with alanine, which is neutral and non-polar, at codon 395 of the PMS2 protein (p.Pro395Ala). This variant is not present in population databases (gnomAD no frequency). This variant has not been reported in the literature in individuals affected with PMS2-related conditions. ClinVar contains an entry for this variant (Variation ID: 2451600). Invitae Evidence Modeling incorporating data from in vitro experimental studies (internal data) indicates that this missense variant is not expected to disrupt PMS2 function with a negative predictive value of 95%. In summary, the available evidence is currently insufficient to determine the role of this variant in disease. Therefore, it has been classified as a Variant of Uncertain Significance.

Ambry Genetics
Classification: Uncertain significance for Hereditary cancer-predisposing syndrome. Last evaluated: 2022-12-29. Review status: criteria provided, single submitter. Criteria: Ambry Variant Classification Scheme 2023. Collection method: clinical testing. Allele origin: germline.
Comment: The p.P395A variant (also known as c.1183C>G), located in coding exon 11 of the PMS2 gene, results from a C to G substitution at nucleotide position 1183. The proline at codon 395 is replaced by alanine, an amino acid with highly similar properties. This amino acid position is conserved. In addition, the in silico prediction for this alteration is inconclusive. Since supporting evidence is limited at this time, the clinical significance of this alteration remains unclear.